The following is an entry in ClinVar:

ClinVar aggregate classification (germline): Likely benign. Review status: criteria provided, single submitter (1 of 4 stars). 2 submissions from 2 submitters: Likely benign (1). 1 of the submissions does not count toward it. Last evaluated 2023-12-27.

Conditions:
BBS9-related disorder. Also called: BBS9-related condition.
Bardet-Biedl syndrome (BBS). Identifiers: Orphanet 110, MedGen C0752166, MONDO:0015229.

Allele frequency attached by ClinVar (database versions not stated): gnomAD exomes below 0.00001; TOPMed 0.00001.
gnomAD v4.1: 3 of 1,613,676 alleles (0.00019%); highest among the groups gnomAD compares: East Asian, 0.0045%; no homozygotes.

Submissions (2):

Labcorp Genetics (formerly Invitae), Labcorp
Classification: Likely benign for Bardet-Biedl syndrome. Last evaluated: 2023-12-27. Review status: criteria provided, single submitter. Criteria: Invitae Variant Classification Sherloc (09022015). Collection method: clinical testing. Allele origin: germline.

PreventionGenetics, part of Exact Sciences
Classification: Likely benign for BBS9-related condition. Last evaluated: 2024-06-12. Review status: no assertion criteria provided. Collection method: clinical testing. Allele origin: germline. Not counted in ClinVar's aggregate classification.
Comment: This variant is classified as likely benign based on ACMG/AMP sequence variant interpretation guidelines (Richards et al. 2015 PMID: 25741868, with internal and published modifications).

NM_198428.3(BBS9):c.1107A>G (p.Pro369=)

Gene: BBS9 (Bardet-Biedl syndrome 9; plus strand). Cytogenetic location: 7p14.3.
Variant type: single nucleotide variant.
Coding change: c.1107A>G on transcript NM_198428.3 (MANE Select); coding-DNA position 1107, A replaced by G.
Protein change: p.Pro369=; no amino-acid change (proline 369 retained).
Molecular consequence: synonymous variant. On other transcripts: non-coding transcript variant (3).
Genome position (GRCh38, 1-based): chr7:33,336,531, A>G. VCF-style: chr7-33336531-A-G. GRCh37 (hg19) VCF-style: chr7-33376143-A-G.
Other names: c.1107A>G, p.Pro369= (NM_001033604.2, NM_001033605.2, NM_001348036.1 and 5 more transcripts); c.741A>G, p.Pro247= (NM_001348037.3, NM_001348044.3, NM_001348045.3 and 1 more transcripts); c.834A>G, p.Pro278= (NM_001348038.3, NM_001348039.3); c.972A>G, p.Pro324= (NM_001348042.3); c.1107A>G (NM_198428.2).
Identifiers: ClinVar variation 1634803 (VCV001634803.9), dbSNP rs1227576006, ClinGen allele CA454453184.